The following is an entry in ClinVar:

ClinVar aggregate classification (germline): Uncertain significance (1 of 4 stars; one submission).

Allele frequency attached by ClinVar (database versions not stated): TOPMed 0.00001.

Submission:

Labcorp Genetics (formerly Invitae), Labcorp
Classification: Uncertain significance. Last evaluated: 2021-08-03. Review status: criteria provided, single submitter. Criteria: Invitae Variant Classification Sherloc (09022015). Collection method: clinical testing. Allele origin: germline.
Comment: In summary, the available evidence is currently insufficient to determine the role of this variant in disease. Therefore, it has been classified as a Variant of Uncertain Significance. Algorithms developed to predict the effect of missense changes on protein structure and function are either unavailable or do not agree on the potential impact of this missense change (SIFT: "Deleterious"; PolyPhen-2: "Probably Damaging"; Align-GVGD: "Class C0"). This variant has not been reported in the literature in individuals affected with GRM6-related conditions. The frequency data for this variant in the population databases is considered unreliable, as metrics indicate insufficient coverage at this position in the ExAC database. This sequence change replaces glutamine with histidine at codon 108 of the GRM6 protein (p.Gln108His). The glutamine residue is highly conserved and there is a small physicochemical difference between glutamine and histidine.

NM_000843.4(GRM6):c.324G>T (p.Gln108His)

Gene: GRM6 (glutamate metabotropic receptor 6; minus strand). Cytogenetic location: 5q35.3.
Variant type: single nucleotide variant.
Coding change: c.324G>T on transcript NM_000843.4 (MANE Select); coding-DNA position 324, G replaced by T.
Protein change: p.Gln108His; replaces glutamine 108 with histidine.
Molecular consequence: missense variant.
Genome position (GRCh38, 1-based): chr5:178,994,621, C>A on the plus strand (G>T on the coding strand, the complement: GRM6 is on the minus strand). VCF-style: chr5-178994621-C-A. GRCh37 (hg19) VCF-style: chr5-178421622-C-A.
Other names: short protein forms Q108H.
Identifiers: ClinVar variation 1411957 (VCV001411957.6), dbSNP rs1760739796, ClinGen allele CA362436614.
Genomic context (GRCh38, chr5:178,994,621, plus strand): 5'-CACGCCCACCTCGTCGCCGTCGCCGCGGCCGCGGATCAGCGCCTGCACGAAGCTCAGCGC[C>A]TGCTCCAGCGCGTAGGTGTCCCGCGAGCAGGTGTCCAGCAGCCGCGCGCCCAGGCGCACG-3'
Protein context (NP_000834.2, residues 98-118): TCSRDTYALE[Gln108His]ALSFVQALIR